The following is an entry in ClinVar:

ClinVar aggregate classification (germline): Uncertain significance (1 of 4 stars; one submission).

Allele frequency attached by ClinVar (database versions not stated): gnomAD 0.00001; TOPMed 0.00001.
gnomAD v4.1: 3 of 1,599,994 alleles (0.00019%); highest among the groups gnomAD compares: Admixed American, 0.0034%; no homozygotes.

Submission:

Ambry Genetics
Classification: Uncertain significance. Last evaluated: 2023-07-29. Review status: criteria provided, single submitter. Criteria: Ambry Variant Classification Scheme 2023. Collection method: clinical testing. Allele origin: germline.
Comment: The p.T942K variant (also known as c.2825C>A), located in coding exon 16 of the POLQ gene, results from a C to A substitution at nucleotide position 2825. The threonine at codon 942 is replaced by lysine, an amino acid with similar properties. This amino acid position is conserved. In addition, this alteration is predicted to be tolerated by in silico analysis. Since supporting evidence is limited at this time, the clinical significance of this alteration remains unclear.

NM_199420.4(POLQ):c.2825C>A (p.Thr942Lys)

Gene: POLQ (DNA polymerase theta; minus strand). Cytogenetic location: 3q13.33.
Variant type: single nucleotide variant.
Coding change: c.2825C>A on transcript NM_199420.4 (MANE Select); coding-DNA position 2825, C replaced by A.
Protein change: p.Thr942Lys; replaces threonine 942 with lysine.
Molecular consequence: missense variant.
Genome position (GRCh38, 1-based): chr3:121,490,106, G>T on the plus strand (C>A on the coding strand, the complement: POLQ is on the minus strand). VCF-style: chr3-121490106-G-T. GRCh37 (hg19) VCF-style: chr3-121208953-G-T.
Other names: short protein forms T942K.
Identifiers: ClinVar variation 1796494 (VCV001796494.3), dbSNP rs1000693658, ClinGen allele CA81836793.